The following is an entry in ClinVar:

NM_000156.6(GAMT):c.182-3_182dup

Gene: GAMT (guanidinoacetate N-methyltransferase; minus strand). Cytogenetic location: 19p13.3.
Variant type: Duplication.
Coding change: c.182-3_182dup on transcript NM_000156.6 (MANE Select); 3 bases into the intron before coding-DNA position 182 through coding-DNA position 182, 4 bases duplicated (CAGG; older notation c.182-3_182dupCAGG).
Molecular consequence: splice acceptor variant.
Genome position (GRCh38, 1-based): chr19:1,399,938-1,399,941, CCTG duplicated on the plus strand (CAGG on the coding strand, the reverse complement: GAMT is on the minus strand). VCF-style (leftmost placement, unchanged base first): chr19-1399937-C-CCCTG. GRCh37 (hg19) VCF-style: chr19-1399936-C-CCCTG.
Other names: c.182-3_182dup (NM_138924.3).
Identifiers: ClinVar variation 1034093 (VCV001034093.1), dbSNP rs2082624287, ClinGen allele CA2317699585.
Genomic context (GRCh38, chr19:1,399,937, plus strand): 5'-CGCCTCCTGCACCTTTGACGCTGCGATGGCCATGCCAAAGCCCACCTCCAGGACCCGGCC[C>CCCTG]CCTGGGCAGACACAGGGCGCCTGGCATCACTAGGTGGGGCGGGCTTAGGAGGCTGCCTGG-3'

ClinVar aggregate classification (germline): Uncertain significance (1 of 4 stars; one submission).

Conditions:
Deficiency of guanidinoacetate methyltransferase (CCDS2). Also called: GAMT DEFICIENCY; CEREBRAL CREATINE DEFICIENCY SYNDROME 2; Guanidinoacetate Methyltransferase (GAMT) Deficiency. Identifiers: Orphanet 382, MedGen C0574080, MONDO:0012999, OMIM 612736.

Submission:

Baylor Genetics
Classification: Uncertain significance for Deficiency of guanidinoacetate methyltransferase. Last evaluated: 2018-11-12. Review status: criteria provided, single submitter. Criteria: ACMG Guidelines, 2015. Collection method: clinical testing. Allele origin: unknown. Affected: yes.
Comment: This variant was determined to be of uncertain significance according to ACMG Guidelines, 2015 [PMID:25741868].